The following is an entry in ClinVar:

NM_006767.4(LZTR1):c.651+84A>G

Gene: LZTR1 (leucine zipper like post translational regulator 1; plus strand). Cytogenetic location: 22q11.21.
Variant type: single nucleotide variant.
Coding change: c.651+84A>G on transcript NM_006767.4 (MANE Select); 84 bases into the intron after coding-DNA position 651, A replaced by G.
Molecular consequence: intron variant.
Genome position (GRCh38, 1-based): chr22:20,989,766, A>G. VCF-style: chr22-20989766-A-G. GRCh37 (hg19) VCF-style: chr22-21344055-A-G.
Identifiers: ClinVar variation 561426 (VCV000561426.2), dbSNP rs5752397, ClinGen allele CA322325345.

ClinVar aggregate classification (germline): Likely benign. Review status: criteria provided, multiple submitters, no conflicts (2 of 4 stars). 2 submissions from 2 submitters: Likely benign (2). Last evaluated 2018-06-16.

Allele frequency attached by ClinVar (database versions not stated): TOPMed 0.02681; gnomAD 0.02904 and 0.03256; 1000 Genomes Project 0.05232.
gnomAD v4.1: 21,720 of 914,616 alleles (2.4%); highest among the groups gnomAD compares: East Asian, 23%; 1,285 homozygotes.

Submissions (2):

GeneDx
Classification: Likely benign. Last evaluated: 2018-06-16. Review status: criteria provided, single submitter. Criteria: GeneDx Variant Classification (06012015). Collection method: clinical testing. Allele origin: germline. Affected: yes.
Comment: This variant is considered likely benign or benign based on one or more of the following criteria: it is a conservative change, it occurs at a poorly conserved position in the protein, it is predicted to be benign by multiple in silico algorithms, and/or has population frequency not consistent with disease.

Breakthrough Genomics
Classification: Likely benign. Review status: criteria provided, single submitter. Criteria: ACMG Guidelines, 2015. Collection method: not provided. Allele origin: germline. Inheritance: Autosomal recessive inheritance. Affected: yes.